The following is an entry in ClinVar:

ClinVar aggregate classification (germline): Pathogenic (1 of 4 stars; one submission).

Submission:

Labcorp Genetics (formerly Invitae), Labcorp
Classification: Pathogenic. Last evaluated: 2023-02-04. Review status: criteria provided, single submitter. Criteria: Invitae Variant Classification Sherloc (09022015). Collection method: clinical testing. Allele origin: germline.
Comment: This sequence change creates a premature translational stop signal (p.Gly89*) in the CAD gene. It is expected to result in an absent or disrupted protein product. Loss-of-function variants in CAD are known to be pathogenic (PMID: 28007989, 32117025, 32820246, 33497533). This variant is not present in population databases (gnomAD no frequency). This variant has not been reported in the literature in individuals affected with CAD-related conditions. For these reasons, this variant has been classified as Pathogenic.

Literature cited by the submitters: PubMed 28007989; PubMed 32117025; PubMed 32820246; PubMed 33497533.

NM_004341.5(CAD):c.265G>T (p.Gly89Ter)

Gene: CAD (carbamoyl-phosphate synthetase 2, aspartate transcarbamylase, and dihydroorotase; plus strand). Cytogenetic location: 2p23.3.
Variant type: single nucleotide variant.
Coding change: c.265G>T on transcript NM_004341.5 (MANE Select); coding-DNA position 265, G replaced by T.
Protein change: p.Gly89Ter; replaces glycine 89 with a stop codon.
Molecular consequence: nonsense.
Genome position (GRCh38, 1-based): chr2:27,221,260, G>T. VCF-style: chr2-27221260-G-T. GRCh37 (hg19) VCF-style: chr2-27444128-G-T.
Other names: c.265G>T, p.Gly89Ter (NM_001306079.2); short protein forms G89*.
Identifiers: ClinVar variation 2834705 (VCV002834705.3), dbSNP rs765611426, ClinGen allele CA346197596.